The following is an entry in ClinVar:

NM_000540.3(RYR1):c.12990C>T (p.Thr4330=)

Gene: RYR1 (ryanodine receptor 1; plus strand). Cytogenetic location: 19q13.2.
Variant type: single nucleotide variant.
Coding change: c.12990C>T on transcript NM_000540.3 (MANE Select); coding-DNA position 12990, C replaced by T.
Protein change: p.Thr4330=; no amino-acid change (threonine 4330 retained).
Molecular consequence: synonymous variant.
Genome position (GRCh38, 1-based): chr19:38,565,324, C>T. VCF-style: chr19-38565324-C-T. GRCh37 (hg19) VCF-style: chr19-39055964-C-T.
Other names: p.Thr4330=; c.12975C>T, p.Thr4325= (NM_001042723.2).
Identifiers: ClinVar variation 93250 (VCV000093250.27), dbSNP rs184450380, ClinGen allele CA024027.

ClinVar aggregate classification (germline): Benign/Likely benign. Review status: criteria provided, multiple submitters, no conflicts (2 of 4 stars). 10 submissions from 9 submitters: Benign (7); Likely benign (3). Last evaluated 2026-01-31.

Conditions:
Malignant hyperthermia, susceptibility to, 1 (MHS1). Also called: Malignant hyperthermia suceptibility 1; Anesthesia related hyperthermia; Malignant hyperpyrexia; Fulminating hyperpyrexia; Pharmacogenic myopathy; RYR1-Related Malignant Hyperthermia Susceptibility. Identifiers: Orphanet 423, MedGen C2930980, MONDO:0007783, OMIM 145600.
Congenital multicore myopathy with external ophthalmoplegia (CMYO1B). Also called: MULTIMINICORE DISEASE WITH EXTERNAL OPHTHALMOPLEGIA; MULTICORE MYOPATHY; Minicore myopathy with external ophthalmoplegia; Congenital myopathy 1B, autosomal recessive; Minicore myopathy. Identifiers: Orphanet 598, Orphanet 98905, MedGen C1850674, MONDO:0009712, OMIM 255320, HP:0003789.
RYR1-related disorder. Also called: RYR1-related condition; RYR1-related disorders. Identifiers: MedGen CN239331.

Allele frequency attached by ClinVar (database versions not stated): 1000 Genomes Project 0.00579; TOPMed 0.00845; 1000 Genomes Project 30x 0.01015.
gnomAD v4.1: 1,980 of 1,175,862 alleles (0.17%); highest among the groups gnomAD compares: African/African-American, 2.9%; 33 homozygotes.

Submissions (10):

Labcorp Genetics (formerly Invitae), Labcorp
Classification: Benign for RYR1-related disorder. Last evaluated: 2026-01-31. Review status: criteria provided, single submitter. Criteria: Invitae Variant Classification Sherloc (09022015). Collection method: clinical testing. Allele origin: germline.

Blueprint Genetics
Classification: Likely benign. Last evaluated: 2024-11-21. Review status: criteria provided, single submitter. Criteria: ACMG Guidelines, 2015. Collection method: clinical testing. Allele origin: germline.

Mayo Clinic Laboratories, Mayo Clinic
Classification: Benign. Last evaluated: 2024-02-29. Review status: criteria provided, single submitter. Criteria: ACMG Guidelines, 2015. Collection method: clinical testing. Allele origin: germline. Observed: 5 variant alleles.
Comment: BA1, BS2, BP4, BP7

PreventionGenetics, part of Exact Sciences
Classification: Benign. Last evaluated: 2018-03-13. Review status: criteria provided, single submitter. Criteria: ACMG Guidelines, 2015. Collection method: clinical testing. Allele origin: germline.

Illumina Laboratory Services, Illumina
Classification: Benign for Congenital multicore myopathy with external ophthalmoplegia. Last evaluated: 2018-01-13. Review status: criteria provided, single submitter. Criteria: ICSL Variant Classification Criteria 13 December 2019. Collection method: clinical testing. Allele origin: germline.
Comment: This variant was observed in the ICSL laboratory as part of a predisposition screen in an ostensibly healthy population. It had not been previously curated by ICSL or reported in the Human Gene Mutation Database (HGMD: prior to June 1st, 2018), and was therefore a candidate for classification through an automated scoring system. Utilizing variant allele frequency, disease prevalence and penetrance estimates, and inheritance mode, an automated score was calculated to assess if this variant is too frequent to cause the disease. Based on the score and internal cut-off values, a variant classified as benign is not then subjected to further curation. The score for this variant resulted in a classification of benign for this disease.

Illumina Laboratory Services, Illumina
Classification: Benign for Malignant hyperthermia, susceptibility to, 1. Last evaluated: 2018-01-13. Review status: criteria provided, single submitter. Criteria: ICSL Variant Classification Criteria 13 December 2019. Collection method: clinical testing. Allele origin: germline.
Comment: the same text as in the submission from Illumina Laboratory Services, Illumina above.

GeneDx
Classification: Benign. Last evaluated: 2017-10-23. Review status: criteria provided, single submitter. Criteria: GeneDx Variant Classification (06012015). Collection method: clinical testing. Allele origin: germline. Affected: yes.
Comment: This variant is considered likely benign or benign based on one or more of the following criteria: it is a conservative change, it occurs at a poorly conserved position in the protein, it is predicted to be benign by multiple in silico algorithms, and/or has population frequency not consistent with disease.

Eurofins Ntd Llc (ga)
Classification: Benign. Last evaluated: 2017-09-26. Review status: criteria provided, single submitter. Criteria: EGL Classification Definitions 2015. Collection method: clinical testing. Allele origin: germline. Observed: 4 variant alleles, 4 heterozygotes.

Genetic Services Laboratory, University of Chicago
Classification: Likely benign. Last evaluated: 2014-01-21. Review status: criteria provided, single submitter. Criteria: ACMG Guidelines, 2007. Collection method: clinical testing. Allele origin: germline. Inheritance: Autosomal unknown.

Breakthrough Genomics
Classification: Likely benign. Review status: criteria provided, single submitter. Criteria: ACMG Guidelines, 2015. Collection method: not provided. Allele origin: germline. Inheritance: Autosomal recessive inheritance. Affected: yes.